The following is an entry in ClinVar:

ClinVar aggregate classification (germline): Likely benign (1 of 4 stars; one submission).

Conditions:
Sessile serrated polyposis cancer syndrome (SSPCS). Identifiers: Orphanet 157798, MedGen C4310714, MONDO:0014919, OMIM 617108.

Submission:

Myriad Genetics, Inc.
Classification: Likely benign for Sessile serrated polyposis cancer syndrome. Last evaluated: 2026-06-26. Review status: criteria provided, single submitter. Criteria: Myriad Autosomal Dominant, Autosomal Recessive and X-Linked Classification Criteria (2023). Collection method: clinical testing. Allele origin: unknown.
Comment: This variant is considered likely benign. This variant is intronic and is not expected to impact mRNA splicing.

NM_017763.6(RNF43):c.2309-15_2309-14delinsCG

Gene: RNF43 (ring finger protein 43; minus strand). Cytogenetic location: 17q22.
Variant type: Indel.
Coding change: c.2309-15_2309-14delinsCG on transcript NM_017763.6 (MANE Select); 15 bases into the intron before coding-DNA position 2309 through 14 bases into the intron before coding-DNA position 2309, GC replaced by CG.
Molecular consequence: intron variant.
Genome position (GRCh38, 1-based): chr17:58,355,000-58,355,001, GC replaced by CG on the plus strand (GC replaced by CG on the coding strand, the reverse complement: RNF43 is on the minus strand). VCF-style: chr17-58355000-GC-CG. GRCh37 (hg19) VCF-style: chr17-56432361-GC-CG.
Other names: c.2309-15_2309-14delinsCG (NM_001438822.1, NM_001305544.3); c.1928-15_1928-14delinsCG (NM_001305545.2).
Identifiers: ClinVar variation 4875794 (VCV004875794.1).